The following is an entry in ClinVar:

ClinVar aggregate classification (germline): Uncertain significance (1 of 4 stars; one submission).

Conditions:
Xanthinuria type II. Also called: Xanthine dehydrogenase and aldehyde oxidase combined deficiency of; XDH and AOX dual deficiency. Identifiers: Orphanet 3467, Orphanet 93602, MedGen C1863688, MONDO:0011346, OMIM 603592.

Submission:

Labcorp Genetics (formerly Invitae), Labcorp
Classification: Uncertain significance for Xanthinuria type II. Last evaluated: 2020-02-07. Review status: criteria provided, single submitter. Criteria: Invitae Variant Classification Sherloc (09022015). Collection method: clinical testing. Allele origin: germline.
Comment: Nucleotide substitutions within the consensus splice site are a relatively common cause of aberrant splicing (PMID: 17576681, 9536098). Algorithms developed to predict the effect of sequence changes on RNA splicing suggest that this variant may disrupt the consensus splice site, but this prediction has not been confirmed by published transcriptional studies. In summary, the available evidence is currently insufficient to determine the role of this variant in disease. Therefore, it has been classified as a Variant of Uncertain Significance. Algorithms developed to predict the effect of missense changes on protein structure and function are either unavailable or do not agree on the potential impact of this missense change (SIFT: "Deleterious"; PolyPhen-2: "Possibly Damaging"; Align-GVGD: "Class C0"). This variant has not been reported in the literature in individuals with XDH-related conditions. This variant is not present in population databases (ExAC no frequency). This sequence change replaces lysine with asparagine at codon 1173 of the XDH protein (p.Lys1173Asn). The lysine residue is highly conserved and there is a moderate physicochemical difference between lysine and asparagine. This variant also falls at the last nucleotide of exon 32 of the XDH coding sequence, which is part of the consensus splice site for this exon.

Literature cited by the submitters: PubMed 17576681; PubMed 9536098.

NM_000379.4(XDH):c.3519G>C (p.Lys1173Asn)

Gene: XDH (xanthine dehydrogenase; minus strand). Cytogenetic location: 2p23.1.
Variant type: single nucleotide variant.
Coding change: c.3519G>C on transcript NM_000379.4 (MANE Select); coding-DNA position 3519, G replaced by C.
Protein change: p.Lys1173Asn; replaces lysine 1173 with asparagine.
Molecular consequence: missense variant.
Genome position (GRCh38, 1-based): chr2:31,342,183, C>G on the plus strand (G>C on the coding strand, the complement: XDH is on the minus strand). VCF-style: chr2-31342183-C-G. GRCh37 (hg19) VCF-style: chr2-31565049-C-G.
Other names: short protein forms K1173N.
Identifiers: ClinVar variation 1057361 (VCV001057361.9), dbSNP rs1457219256, ClinGen allele CA346495902.
Genomic context (GRCh38, chr2:31,342,183, plus strand): 5'-ACAACTCAGTTGTTTCTCTTCTCTTTCCCACTAAGTACTAAAGTTTTGCAAACTTCTTAC[C>G]TTATGATCTCCTGTTAGGCAGTCGATTTCTACTTCAGAGCAAGCCACCCCATAGCTGAAG-3'
Protein context (NP_000370.2, residues 1163-1183): VEIDCLTGDH[Lys1173Asn]NLRTDIVMDV